The following is an entry in ClinVar:

NM_000310.4(PPT1):c.29_41del (p.Leu10fs)

Gene: PPT1 (palmitoyl-protein thioesterase 1; minus strand). Cytogenetic location: 1p34.2.
Variant type: Deletion.
Coding change: c.29_41del on transcript NM_000310.4 (MANE Select); coding-DNA positions 29 to 41, 13 bases deleted (TGGCTGTGGCTCT).
Protein change: p.Leu10fs; shifts the reading frame from leucine 10.
Molecular consequence: frameshift variant.
Genome position (GRCh38, 1-based): chr1:40,097,198-40,097,210, AGAGCCACAGCCA deleted on the plus strand (TGGCTGTGGCTCT on the coding strand, the reverse complement: PPT1 is on the minus strand); deleting any 13 consecutive bases within chr1:40,097,198-40,097,220 gives the same sequence; the c. name uses the placement nearest the transcript's 3' end. VCF-style (leftmost placement, unchanged base first): chr1-40097197-GAGAGCCACAGCCA-G. GRCh37 (hg19) VCF-style: chr1-40562869-GAGAGCCACAGCCA-G.
Other names: c.29_41del, p.Leu10fs (NM_001142604.2, NM_001363695.2); c.29_41delTGGCTGTGGCTCT (NM_000310.3); short protein forms L10fs.
Identifiers: ClinVar variation 1455107 (VCV001455107.8), dbSNP rs762226836, ClinGen allele CA522422882.

ClinVar aggregate classification (germline): Pathogenic/Likely pathogenic. Review status: criteria provided, multiple submitters, no conflicts (2 of 4 stars). 3 submissions from 3 submitters: Pathogenic (1); Likely pathogenic (2). Last evaluated 2025-11-05.

Conditions:
Neuronal ceroid lipofuscinosis 1 (CLN1). Also called: CEROID LIPOFUSCINOSIS, NEURONAL, 1, VARIABLE AGE AT ONSET; PPT1-Related Neuronal Ceroid-Lipofuscinosis. Identifiers: Orphanet 228329, MedGen C1850451, MONDO:0009744, OMIM 256730.

Submissions (3):

Natera, Inc.
Classification: Likely pathogenic for Neuronal ceroid lipofuscinosis 1. Last evaluated: 2025-11-05. Review status: criteria provided, single submitter. Criteria: Natera Variant Classification Schema (03/2026). Collection method: clinical testing. Allele origin: germline.
Comment: The c.29_41delTGGCTGTGGCTCT variant in PPT1 is a frameshift variant predicted to shift the reading frame beginning at codon 10 and leads to a stop codon 23 codons downstream. This variant is expected to result in nonsense mediated decay, truncation, or a dysfunctional protein product. This variant is rare in the general population with a frequency below the threshold expected for the associated phenotype(s). Given the available evidence, this variant is classified as Likely Pathogenic.

Baylor Genetics
Classification: Likely pathogenic for Neuronal ceroid lipofuscinosis 1. Last evaluated: 2023-04-24. Review status: criteria provided, single submitter. Criteria: ACMG Guidelines, 2015. Collection method: clinical testing. Allele origin: unknown.

Labcorp Genetics (formerly Invitae), Labcorp
Classification: Pathogenic for Neuronal ceroid lipofuscinosis 1. Last evaluated: 2021-08-07. Review status: criteria provided, single submitter. Criteria: Invitae Variant Classification Sherloc (09022015). Collection method: clinical testing. Allele origin: germline.
Comment: For these reasons, this variant has been classified as Pathogenic. This variant has not been reported in the literature in individuals affected with PPT1-related conditions. This variant is not present in population databases (ExAC no frequency). This sequence change creates a premature translational stop signal (p.Leu10Serfs*23) in the PPT1 gene. It is expected to result in an absent or disrupted protein product. Loss-of-function variants in PPT1 are known to be pathogenic (PMID: 10679943, 21990111).

Literature cited by the submitters: PubMed 10679943 (cited by Labcorp Genetics (formerly Invitae), Labcorp); PubMed 21990111 (cited by Labcorp Genetics (formerly Invitae), Labcorp).